The following is an entry in ClinVar:

ClinVar aggregate classification (germline): Uncertain significance. Review status: criteria provided, multiple submitters, no conflicts (2 of 4 stars). 2 submissions from 2 submitters: Uncertain significance (2). Last evaluated 2025-07-06.

Allele frequency attached by ClinVar (database versions not stated): gnomAD 0.00004; ExAC 0.00005; TOPMed 0.00005.

Submissions (2):

Labcorp Genetics (formerly Invitae), Labcorp
Classification: Uncertain significance. Last evaluated: 2025-07-06. Review status: criteria provided, single submitter. Criteria: Invitae Variant Classification Sherloc (09022015). Collection method: clinical testing. Allele origin: germline.
Comment: This sequence change replaces arginine, which is basic and polar, with glutamine, which is neutral and polar, at codon 73 of the KRT71 protein (p.Arg73Gln). This variant is present in population databases (rs762534841, gnomAD 0.02%). This variant has not been reported in the literature in individuals affected with KRT71-related conditions. ClinVar contains an entry for this variant (Variation ID: 2058760). Invitae Evidence Modeling of protein sequence and biophysical properties (such as structural, functional, and spatial information, amino acid conservation, physicochemical variation, residue mobility, and thermodynamic stability) indicates that this missense variant is not expected to disrupt KRT71 protein function with a negative predictive value of 80%. In summary, the available evidence is currently insufficient to determine the role of this variant in disease. Therefore, it has been classified as a Variant of Uncertain Significance.

Ambry Genetics
Classification: Uncertain significance. Last evaluated: 2024-03-28. Review status: criteria provided, single submitter. Criteria: Ambry Variant Classification Scheme 2023. Collection method: clinical testing. Allele origin: germline.

NM_033448.3(KRT71):c.218G>A (p.Arg73Gln)

Gene: KRT71 (keratin 71; minus strand). Cytogenetic location: 12q13.13.
Variant type: single nucleotide variant.
Coding change: c.218G>A on transcript NM_033448.3 (MANE Select); coding-DNA position 218, G replaced by A.
Protein change: p.Arg73Gln; replaces arginine 73 with glutamine.
Molecular consequence: missense variant.
Genome position (GRCh38, 1-based): chr12:52,552,860, C>T on the plus strand (G>A on the coding strand, the complement: KRT71 is on the minus strand). VCF-style: chr12-52552860-C-T. GRCh37 (hg19) VCF-style: chr12-52946644-C-T.
Other names: c.218G>A (NM_033448.2); short protein forms R73Q.
Identifiers: ClinVar variation 2058760 (VCV002058760.5), dbSNP rs762534841, ClinGen allele CA6583514.